The following is an entry in ClinVar:

NM_001369.3(DNAH5):c.952del (p.Ala318fs)

Gene: DNAH5 (dynein axonemal heavy chain 5; minus strand). Cytogenetic location: 5p15.2.
Variant type: Deletion.
Coding change: c.952del on transcript NM_001369.3 (MANE Select); coding-DNA position 952, one base deleted (G; older notation c.952delG).
Protein change: p.Ala318fs; shifts the reading frame from alanine 318.
Molecular consequence: frameshift variant.
Genome position (GRCh38, 1-based): chr5:13,919,199, C deleted on the plus strand (G on the coding strand, the reverse complement: DNAH5 is on the minus strand); the first of 2 consecutive C bases (chr5:13,919,199-13,919,200); deleting either gives the same sequence. VCF-style (leftmost placement, unchanged base first): chr5-13919198-GC-G. GRCh37 (hg19) VCF-style: chr5-13919307-GC-G.
Other names: c.952delG (NM_001369.2); short protein forms A318fs.
Identifiers: ClinVar variation 2962876 (VCV002962876.4), dbSNP rs2547144024, ClinGen allele CA2673280859.
Genomic context (GRCh38, chr5:13,919,198, plus strand): 5'-ATTCCCATTTCACAAGGCAAAATGAAATGGCTGACGACCTTCAGCAGTTTCGACTTGGCC[GC>G]CGCAAGCACTGCCAGCACAGCCTTCACATCCGGGCTTTTCAATTGTTCCAAAAGGTAGTT-3'

ClinVar aggregate classification (germline): Pathogenic/Likely pathogenic. Review status: criteria provided, multiple submitters, no conflicts (2 of 4 stars). 2 submissions from 2 submitters: Pathogenic (1); Likely pathogenic (1). Last evaluated 2025-04-14.

Conditions:
Primary ciliary dyskinesia. Also called: Ciliary dyskinesia. Identifiers: Orphanet 244, MedGen C0008780, MONDO:0016575, HP:0012265.

Submissions (2):

Natera, Inc.
Classification: Likely pathogenic for Primary ciliary dyskinesia. Last evaluated: 2025-04-14. Review status: criteria provided, single submitter. Criteria: Natera Variant Classification Schema (03/2026). Collection method: clinical testing. Allele origin: germline.
Comment: The c.952delG variant in DNAH5 is a frameshift variant predicted to shift the reading frame beginning at codon 318 and leads to a stop codon 7 codons downstream. This variant is expected to result in nonsense mediated decay, truncation, or a dysfunctional protein product. This variant is rare in the general population with a frequency below the threshold expected for the associated phenotype(s). Given the available evidence, this variant is classified as Likely Pathogenic.

Labcorp Genetics (formerly Invitae), Labcorp
Classification: Pathogenic for Primary ciliary dyskinesia. Last evaluated: 2023-10-14. Review status: criteria provided, single submitter. Criteria: Invitae Variant Classification Sherloc (09022015). Collection method: clinical testing. Allele origin: germline.
Comment: This sequence change creates a premature translational stop signal (p.Ala318Argfs*7) in the DNAH5 gene. It is expected to result in an absent or disrupted protein product. Loss-of-function variants in DNAH5 are known to be pathogenic (PMID: 11788826, 16627867). This variant is not present in population databases (gnomAD no frequency). This variant has not been reported in the literature in individuals affected with DNAH5-related conditions. For these reasons, this variant has been classified as Pathogenic.

Literature cited by the submitters: PubMed 11788826 (cited by Labcorp Genetics (formerly Invitae), Labcorp); PubMed 16627867 (cited by Labcorp Genetics (formerly Invitae), Labcorp).